The following is an entry in ClinVar:

NM_058216.3(RAD51C):c.61C>A (p.Pro21Thr)

Gene: RAD51C (RAD51 paralog C; plus strand). Cytogenetic location: 17q22.
Variant type: single nucleotide variant.
Coding change: c.61C>A on transcript NM_058216.3 (MANE Select); coding-DNA position 61, C replaced by A.
Protein change: p.Pro21Thr; replaces proline 21 with threonine.
Molecular consequence: missense variant. On other transcripts: non-coding transcript variant (1).
Genome position (GRCh38, 1-based): chr17:58,692,704, C>A. VCF-style: chr17-58692704-C-A. GRCh37 (hg19) VCF-style: chr17-56770065-C-A.
Other names: c.61C>A, p.Pro21Thr (NM_002876.4, NM_058217.1); short protein forms P21T.
Identifiers: ClinVar variation 2100018 (VCV002100018.4), dbSNP rs752608224, ClinGen allele CA400336775.

ClinVar aggregate classification (germline): Uncertain significance (1 of 4 stars; one submission).

Conditions:
Fanconi anemia complementation group O. Also called: RAD51C-Related Fanconi Anemia. Identifiers: Orphanet 84, MedGen C3150653, MONDO:0013248, OMIM 613390.

Submission:

Labcorp Genetics (formerly Invitae), Labcorp
Classification: Uncertain significance for Fanconi anemia complementation group O. Last evaluated: 2022-02-20. Review status: criteria provided, single submitter. Criteria: Invitae Variant Classification Sherloc (09022015). Collection method: clinical testing. Allele origin: germline.
Comment: In summary, the available evidence is currently insufficient to determine the role of this variant in disease. Therefore, it has been classified as a Variant of Uncertain Significance. Algorithms developed to predict the effect of missense changes on protein structure and function are either unavailable or do not agree on the potential impact of this missense change (SIFT: "Deleterious"; PolyPhen-2: "Benign"; Align-GVGD: "Class C0"). This variant has not been reported in the literature in individuals affected with RAD51C-related conditions. This variant is not present in population databases (gnomAD no frequency). This sequence change replaces proline, which is neutral and non-polar, with threonine, which is neutral and polar, at codon 21 of the RAD51C protein (p.Pro21Thr).